The following is an entry in ClinVar:

ClinVar aggregate classification (germline): Pathogenic (1 of 4 stars; one submission).

Conditions:
Junctional epidermolysis bullosa. Identifiers: Orphanet 305, MedGen C0079301, MONDO:0017612.

Submission:

Myriad Genetics, Inc.
Classification: Pathogenic for Junctional epidermolysis bullosa. Last evaluated: 2023-09-27. Review status: criteria provided, single submitter. Criteria: Myriad Autosomal Dominant, Autosomal Recessive and X-Linked Classification Criteria (2023). Collection method: clinical testing. Allele origin: unknown.
Comment: NM_000228.2(LAMB3):c.2568dupC(E857Rfs*49) is expected to be pathogenic in the context of junctional epidermolysis bullosa, LAMB3-related. This variant is predicted to lead to an abnormal or absent protein product due to the creation of a premature termination codon in LAMB3, a gene where loss-of-function variants are known to be pathogenic. Please note: this variant was assessed in the context of healthy population screening.

NM_000228.3(LAMB3):c.2568dup (p.Glu857fs)

Gene: LAMB3 (laminin subunit beta 3; minus strand). Cytogenetic location: 1q32.2.
Variant type: Duplication.
Coding change: c.2568dup on transcript NM_000228.3 (MANE Select); coding-DNA position 2568, one base duplicated (C; older notation c.2568dupC).
Protein change: p.Glu857fs; shifts the reading frame from glutamic acid 857.
Molecular consequence: frameshift variant.
Genome position (GRCh38, 1-based): chr1:209,622,669, G duplicated on the plus strand (C on the coding strand, the reverse complement: LAMB3 is on the minus strand); the first of 2 consecutive G bases (chr1:209,622,669-209,622,670); duplicating either gives the same sequence. VCF-style (leftmost placement, unchanged base first): chr1-209622668-C-CG. GRCh37 (hg19) VCF-style: chr1-209796013-C-CG.
Other names: c.2568dup, p.Glu857fs (NM_001017402.2, NM_001127641.1); short protein forms E857fs.
Identifiers: ClinVar variation 5012056 (VCV005012056.1).